The following is an entry in ClinVar:

ClinVar aggregate classification (germline): Uncertain significance (1 of 4 stars; one submission).

Conditions:
Hereditary cancer-predisposing syndrome. Also called: Tumor predisposition; Neoplastic Syndromes, Hereditary; Hereditary Cancer Syndrome; Hereditary neoplastic syndrome. Identifiers: Orphanet 140162, MedGen C0027672, MeSH D009386, MONDO:0015356.

Submission:

Ambry Genetics
Classification: Uncertain significance for Hereditary cancer-predisposing syndrome. Last evaluated: 2024-08-05. Review status: criteria provided, single submitter. Criteria: Ambry Variant Classification Scheme 2023. Collection method: clinical testing. Allele origin: germline.
Comment: The p.Q490K variant (also known as c.1468C>A), located in coding exon 10 of the CTNNA1 gene, results from a C to A substitution at nucleotide position 1468. The glutamine at codon 490 is replaced by lysine, an amino acid with similar properties. This amino acid position is highly conserved in available vertebrate species. In addition, this alteration is predicted to be tolerated by in silico analysis. The evidence for this gene-disease relationship is limited; therefore, the clinical significance of this alteration is unclear.

NM_001903.5(CTNNA1):c.1468C>A (p.Gln490Lys)

Gene: CTNNA1 (catenin alpha 1; plus strand). Cytogenetic location: 5q31.2.
Variant type: single nucleotide variant.
Coding change: c.1468C>A on transcript NM_001903.5 (MANE Select); coding-DNA position 1468, C replaced by A.
Protein change: p.Gln490Lys; replaces glutamine 490 with lysine.
Molecular consequence: missense variant.
Genome position (GRCh38, 1-based): chr5:138,917,820, C>A. VCF-style: chr5-138917820-C-A. GRCh37 (hg19) VCF-style: chr5-138253509-C-A.
Other names: c.1468C>A, p.Gln490Lys (NM_001290307.3, NM_001323982.2, NM_001323983.1 and 2 more transcripts); c.1159C>A, p.Gln387Lys (NM_001290309.3); c.1099C>A, p.Gln367Lys (NM_001290310.3); c.358C>A, p.Gln120Lys (NM_001290312.1, NM_001323987.1, NM_001323988.1 and 17 more transcripts); c.1375C>A, p.Gln459Lys (NM_001323986.2); c.19C>A, p.Gln7Lys (NM_001324006.1, NM_001324007.1, NM_001324008.1 and 2 more transcripts); c.265C>A, p.Gln89Lys (NM_001324011.1); c.115C>A, p.Gln39Lys (NM_001324012.1, NM_001324013.1); short protein forms Q120K, Q367K, Q89K, Q387K, Q39K, Q459K, Q490K, Q7K.
Identifiers: ClinVar variation 3498213 (VCV003498213.1).